The following is an entry in ClinVar:

NM_002691.4(POLD1):c.1138-14G>T

Gene: POLD1 (DNA polymerase delta 1, catalytic subunit; plus strand). Cytogenetic location: 19q13.33.
Variant type: single nucleotide variant.
Coding change: c.1138-14G>T on transcript NM_002691.4 (MANE Select); 14 bases into the intron before coding-DNA position 1138, G replaced by T.
Molecular consequence: intron variant.
Genome position (GRCh38, 1-based): chr19:50,403,479, G>T. VCF-style: chr19-50403479-G-T. GRCh37 (hg19) VCF-style: chr19-50906736-G-T.
Other names: c.1138-14G>T (NM_001256849.1, NM_001308632.1, LRG_785t1 and 1 more transcripts).
Identifiers: ClinVar variation 512863 (VCV000512863.10), dbSNP rs200111674, ClinGen allele CA9596050.

ClinVar aggregate classification (germline): Benign/Likely benign. Review status: criteria provided, multiple submitters, no conflicts (2 of 4 stars). 3 submissions from 3 submitters: Benign (1); Likely benign (2). Last evaluated 2026-02-03.

Conditions:
POLD1-related polyposis and colorectal cancer syndrome (CRCS10). Also called: Colorectal cancer 10; COLORECTAL CANCER, SUSCEPTIBILITY TO, ON CHROMOSOME 19q; Colorectal cancer, susceptibility to, 10. Identifiers: Orphanet 220460, MedGen C2675481, MONDO:0012953, OMIM 612591.

Allele frequency attached by ClinVar (database versions not stated): gnomAD 0.00002 and 0.00008; TOPMed 0.00006; ExAC 0.00009; 1000 Genomes Project 0.00020; 1000 Genomes Project 30x 0.00031.
gnomAD v4.1: 76 of 1,589,548 alleles (0.0048%); highest among the groups gnomAD compares: East Asian, 0.1%; no homozygotes.

Submissions (3):

Labcorp Genetics (formerly Invitae), Labcorp
Classification: Benign for POLD1-related polyposis and colorectal cancer syndrome. Last evaluated: 2026-02-03. Review status: criteria provided, single submitter. Criteria: Invitae Variant Classification Sherloc (09022015). Collection method: clinical testing. Allele origin: germline.

Myriad Genetics, Inc.
Classification: Likely benign for POLD1-related polyposis and colorectal cancer syndrome. Last evaluated: 2025-02-05. Review status: criteria provided, single submitter. Criteria: Myriad Autosomal Dominant, Autosomal Recessive and X-Linked Classification Criteria (2023). Collection method: clinical testing. Allele origin: unknown.
Comment: This variant is considered likely benign. This variant is intronic and is not expected to impact mRNA splicing.

GeneDx
Classification: Likely benign. Last evaluated: 2017-10-18. Review status: criteria provided, single submitter. Criteria: GeneDx Variant Classification (06012015). Collection method: clinical testing. Allele origin: germline. Affected: yes.
Comment: This variant is considered likely benign or benign based on one or more of the following criteria: it is a conservative change, it occurs at a poorly conserved position in the protein, it is predicted to be benign by multiple in silico algorithms, and/or has population frequency not consistent with disease.